The following is an entry in ClinVar:

ClinVar aggregate classification (germline): Benign/Likely benign. Review status: criteria provided, multiple submitters, no conflicts (2 of 4 stars). 13 submissions from 13 submitters: Benign (5); Likely benign (6). 2 of the submissions do not count toward it. Last evaluated 2026-01-19.

Conditions:
Cardiovascular phenotype. Identifiers: MedGen CN230736.
Cardiomyopathy (CMYO). Also called: Cardiomyopathies. Identifiers: Orphanet 167848, MedGen C0878544, MONDO:0004994, HP:0001638. Inheritance: Various modes of inheritance.
Catecholaminergic polymorphic ventricular tachycardia 1. Also called: VENTRICULAR TACHYCARDIA, CATECHOLAMINERGIC POLYMORPHIC, 1, WITH OR WITHOUT ATRIAL DYSFUNCTION AND/OR DILATED CARDIOMYOPATHY; VENTRICULAR TACHYCARDIA, STRESS-INDUCED POLYMORPHIC 1; RYR2-Related Catecholaminergic Polymorphic Ventricular Tachycardia. Identifiers: Orphanet 3286, MedGen C1631597, MONDO:0011484, OMIM 604772.
Catecholaminergic polymorphic ventricular tachycardia (CVPT). Also called: Catecholamine-induced polymorphic ventricular tachycardia. Identifiers: Orphanet 3286, MedGen C5574922, MONDO:0017990.

Allele frequency attached by ClinVar (database versions not stated): gnomAD exomes 0.00010 and 0.00023; ExAC 0.00027; 1000 Genomes Project 0.00060; ESP Exome Variant Server 0.00067; 1000 Genomes Project 30x 0.00078; gnomAD 0.00103 and 0.00105; TOPMed 0.00122.
gnomAD v4.1: 319 of 1,594,350 alleles (0.02%); highest among the groups gnomAD compares: African/African-American, 0.35%; no homozygotes.

Submissions (13):

Labcorp Genetics (formerly Invitae), Labcorp
Classification: Benign for Catecholaminergic polymorphic ventricular tachycardia 1. Last evaluated: 2026-01-19. Review status: criteria provided, single submitter. Criteria: Invitae Variant Classification Sherloc (09022015). Collection method: clinical testing. Allele origin: germline.

Molecular Diagnostic Laboratory for Inherited Cardiovascular Disease, Montreal Heart Institute
Classification: Benign. Last evaluated: 2025-04-09. Review status: criteria provided, single submitter. Criteria: ACMG Guidelines, 2015. Collection method: clinical testing. Allele origin: germline. Affected: no.

Mayo Clinic Laboratories, Mayo Clinic
Classification: Likely benign. Last evaluated: 2024-10-22. Review status: criteria provided, single submitter. Criteria: ACMG Guidelines, 2015. Collection method: clinical testing. Allele origin: germline. Observed: 3 variant alleles.
Comment: BS1, BP4, BP7

All of Us Research Program, National Institutes of Health
Classification: Benign for Catecholaminergic polymorphic ventricular tachycardia. Last evaluated: 2024-02-05. Review status: criteria provided, single submitter. Criteria: ACMG Guidelines, 2015. Collection method: clinical testing. Allele origin: germline. Inheritance: Autosomal dominant inheritance. Observed: 71 variant alleles, 71 heterozygotes.
Comment: This study involves interpretation of variants in research participants for the purpose of population health screening. Participant phenotype was not available at the time of variant classification. Additional details can be found in publication PMID: 35346344, PMCID: PMC8962531

Blueprint Genetics
Classification: Likely benign. Last evaluated: 2023-08-29. Review status: criteria provided, single submitter. Criteria: ACMG Guidelines, 2015. Collection method: clinical testing. Allele origin: germline.

Color Diagnostics, LLC DBA Color Health
Classification: Benign for Cardiomyopathy. Last evaluated: 2018-10-21. Review status: criteria provided, single submitter. Criteria: ACMG Guidelines, 2015. Collection method: clinical testing. Allele origin: germline.

Laboratory for Molecular Medicine, Mass General Brigham Personalized Medicine
Classification: Likely benign. Last evaluated: 2015-12-23. Review status: criteria provided, single submitter. Criteria: LMM Criteria. Collection method: clinical testing. Allele origin: germline. Observed: 2 variant alleles.
Comment: p.Ser381Ser in exon 13 of RYR2: This variant is not expected to have clinical si gnificance because it does not alter an amino acid residue and is not located wi thin the splice consensus sequence. It has been identified in 0.3% (28/9792) of African chromosomes by the Exome Aggregation Consortium (ExAC; dbSNP rs368844286).

Ambry Genetics
Classification: Likely benign for Cardiovascular phenotype. Last evaluated: 2015-07-28. Review status: criteria provided, single submitter. Criteria: Ambry Variant Classification Scheme 2023. Collection method: clinical testing. Allele origin: germline.

GeneDx
Classification: Benign. Last evaluated: 2014-04-29. Review status: criteria provided, single submitter. Criteria: GeneDx Variant Classification (06012015). Collection method: clinical testing. Allele origin: germline. Affected: yes.
Comment: This variant is considered likely benign or benign based on one or more of the following criteria: it is a conservative change, it occurs at a poorly conserved position in the protein, it is predicted to be benign by multiple in silico algorithms, and/or has population frequency not consistent with disease.

Breakthrough Genomics
Classification: Likely benign. Review status: criteria provided, single submitter. Criteria: ACMG Guidelines, 2015. Collection method: not provided. Allele origin: germline. Inheritance: Autosomal dominant inheritance. Affected: yes.

PreventionGenetics, part of Exact Sciences
Classification: Likely benign. Review status: criteria provided, single submitter. Criteria: ACMG Guidelines, 2015. Collection method: clinical testing. Allele origin: germline.

Clinical Genetics DNA and cytogenetics Diagnostics Lab, Erasmus MC, Erasmus Medical Center
Classification: Likely benign. Review status: no assertion criteria provided. Collection method: clinical testing. Allele origin: germline. Affected: yes. Study: VKGL Data-share Consensus. Not counted in ClinVar's aggregate classification.

Diagnostic Laboratory, Department of Genetics, University Medical Center Groningen
Classification: Likely benign. Review status: no assertion criteria provided. Collection method: clinical testing. Allele origin: germline. Affected: yes. Study: VKGL Data-share Consensus. Not counted in ClinVar's aggregate classification.

NM_001035.3(RYR2):c.1143C>T (p.Ser381=)

Gene: RYR2 (ryanodine receptor 2; plus strand). Cytogenetic location: 1q43.
Variant type: single nucleotide variant.
Coding change: c.1143C>T on transcript NM_001035.3 (MANE Select); coding-DNA position 1143, C replaced by T.
Protein change: p.Ser381=; no amino-acid change (serine 381 retained).
Molecular consequence: synonymous variant.
Genome position (GRCh38, 1-based): chr1:237,441,456, C>T. VCF-style: chr1-237441456-C-T. GRCh37 (hg19) VCF-style: chr1-237604756-C-T.
Other names: p.S381S:TCC>TCT; p.Ser381=.
Identifiers: ClinVar variation 43710 (VCV000043710.33), dbSNP rs368844286, ClinGen allele CA007011.